The following is an entry in ClinVar:

ClinVar aggregate classification (germline): Uncertain significance. Review status: criteria provided, multiple submitters, no conflicts (2 of 4 stars). 2 submissions from 2 submitters: Uncertain significance (2). Last evaluated 2025-05-28.

Conditions:
LRP2-related disorder. Also called: LRP2-related condition.

Allele frequency attached by ClinVar (database versions not stated): ExAC 0.00001; gnomAD exomes 0.00001 and 0.00002; TOPMed below 0.00001.
gnomAD v4.1: 32 of 1,613,790 alleles (0.002%); highest among the groups gnomAD compares: Non-Finnish European, 0.0025%; no homozygotes.

Submissions (2):

PreventionGenetics, part of Exact Sciences
Classification: Uncertain significance for LRP2-related condition. Last evaluated: 2025-05-28. Review status: criteria provided, single submitter. Criteria: ACMG Guidelines, 2015. Collection method: clinical testing. Allele origin: germline.
Comment: The LRP2 c.5906A>G variant is predicted to result in the amino acid substitution p.His1969Arg. To our knowledge, this variant has not been reported in the literature. This variant is reported in 0.00089% of alleles in individuals of European (Non-Finnish) descent in gnomAD. At this time, the clinical significance of this variant is uncertain due to the absence of conclusive functional and genetic evidence.

Labcorp Genetics (formerly Invitae), Labcorp
Classification: Uncertain significance. Last evaluated: 2022-10-04. Review status: criteria provided, single submitter. Criteria: Invitae Variant Classification Sherloc (09022015). Collection method: clinical testing. Allele origin: germline.
Comment: This sequence change replaces histidine, which is basic and polar, with arginine, which is basic and polar, at codon 1969 of the LRP2 protein (p.His1969Arg). This variant is present in population databases (rs766366404, gnomAD 0.0009%). This variant has not been reported in the literature in individuals affected with LRP2-related conditions. ClinVar contains an entry for this variant (Variation ID: 1508231). Advanced modeling of protein sequence and biophysical properties (such as structural, functional, and spatial information, amino acid conservation, physicochemical variation, residue mobility, and thermodynamic stability) performed at Invitae indicates that this missense variant is expected to disrupt LRP2 protein function. In summary, the available evidence is currently insufficient to determine the role of this variant in disease. Therefore, it has been classified as a Variant of Uncertain Significance.

NM_004525.3(LRP2):c.5906A>G (p.His1969Arg)

Gene: LRP2 (LDL receptor related protein 2; minus strand). Cytogenetic location: 2q31.1.
Variant type: single nucleotide variant.
Coding change: c.5906A>G on transcript NM_004525.3 (MANE Select); coding-DNA position 5906, A replaced by G.
Protein change: p.His1969Arg; replaces histidine 1969 with arginine.
Molecular consequence: missense variant.
Genome position (GRCh38, 1-based): chr2:169,213,791, T>C on the plus strand (A>G on the coding strand, the complement: LRP2 is on the minus strand). VCF-style: chr2-169213791-T-C. GRCh37 (hg19) VCF-style: chr2-170070301-T-C.
Other names: c.5906A>G (NM_004525.2); short protein forms H1969R.
Identifiers: ClinVar variation 1508231 (VCV001508231.6), dbSNP rs766366404, ClinGen allele CA1954408.
Genomic context (GRCh38, chr2:169,213,791, plus strand): 5'-GCCTTATCAACTCTTTCAATGACCTCATACTGTTCATCAGTATAATAAAGGAAAGAATCA[T>C]GGACTGCAATTCCCCAGGGGTGGGAAAGCTGGTGTACCAGGATCATTCGATCTGTTCCAT-3'
Protein context (NP_004516.2, residues 1959-1979): QLSHPWGIAV[His1969Arg]DSFLYYTDEQ